The following is an entry in ClinVar:

NM_006218.4(PIK3CA):c.605A>G (p.Asn202Ser)

Gene: PIK3CA (phosphatidylinositol-4,5-bisphosphate 3-kinase catalytic subunit alpha; plus strand). Cytogenetic location: 3q26.32.
Variant type: single nucleotide variant.
Coding change: c.605A>G on transcript NM_006218.4 (MANE Select); coding-DNA position 605, A replaced by G.
Protein change: p.Asn202Ser; replaces asparagine 202 with serine.
Molecular consequence: missense variant.
Genome position (GRCh38, 1-based): chr3:179,201,332, A>G. VCF-style: chr3-179201332-A-G. GRCh37 (hg19) VCF-style: chr3-178919120-A-G.
Other names: short protein forms N202S.
Identifiers: ClinVar variation 3932392 (VCV003932392.1).

ClinVar aggregate classification (germline): Uncertain significance (1 of 4 stars; one submission).

Conditions:
Inborn genetic diseases. Identifiers: MedGen C0950123, MeSH D030342.

Submission:

Ambry Genetics
Classification: Uncertain significance for Inborn genetic diseases. Last evaluated: 2025-03-31. Review status: criteria provided, single submitter. Criteria: Ambry Variant Classification Scheme 2023. Collection method: clinical testing. Allele origin: germline.
Comment: The p.N202S variant (also known as c.605A>G), located in coding exon 3 of the PIK3CA gene, results from an A to G substitution at nucleotide position 605. The asparagine at codon 202 is replaced by serine, an amino acid with highly similar properties. This amino acid position is conserved. In addition, this alteration is predicted to be tolerated by in silico analysis. Based on the available evidence, the clinical significance of this variant remains unclear.